The following is an entry in ClinVar:

ClinVar aggregate classification (germline): Uncertain significance. Review status: criteria provided, multiple submitters, no conflicts (2 of 4 stars). 5 submissions from 5 submitters: Uncertain significance (5). Last evaluated 2025-05-30.

Conditions:
Hypertrophic cardiomyopathy 14. Identifiers: MedGen C2750467, MONDO:0013197, OMIM 613251.
Cardiovascular phenotype. Identifiers: MedGen CN230736.
Sick sinus syndrome 3, susceptibility to (SSS3). Identifiers: Orphanet 166282, MedGen C3279791, MONDO:0013568, OMIM 614090.
Hypertrophic cardiomyopathy 1 (CMH1). Also called: Familial hypertrophic cardiomyopathy 1; MYH7-Related Familial Hypertrophic Cardiomyopathy. Identifiers: MedGen C3495498, MONDO:0008647, OMIM 192600.
Dilated cardiomyopathy 1EE (CMD1EE). Identifiers: Orphanet 154, MedGen C2750466, MONDO:0013198, OMIM 613252.
Atrial septal defect 3 (ASD3). Identifiers: Orphanet 1478, MedGen C3279790, MONDO:0013567, OMIM 614089.

Allele frequency attached by ClinVar (database versions not stated): gnomAD 0.00002; TOPMed 0.00002.
gnomAD v4.1: 42 of 1,614,102 alleles (0.0026%); highest among the groups gnomAD compares: Non-Finnish European, 0.0033%; no homozygotes.

Submissions (5):

Ambry Genetics
Classification: Uncertain significance for Cardiovascular phenotype. Last evaluated: 2025-05-30. Review status: criteria provided, single submitter. Criteria: Ambry Variant Classification Scheme 2023. Collection method: clinical testing. Allele origin: germline.
Comment: The p.K1045N variant (also known as c.3135G>T), located in coding exon 22 of the MYH6 gene, results from a G to T substitution at nucleotide position 3135. The lysine at codon 1045 is replaced by asparagine, an amino acid with similar properties. This amino acid position is highly conserved in available vertebrate species. In addition, the in silico prediction for this alteration is inconclusive. Since supporting evidence is limited at this time, the clinical significance of this alteration remains unclear.

Labcorp Genetics (formerly Invitae), Labcorp
Classification: Uncertain significance for Hypertrophic cardiomyopathy 14. Last evaluated: 2025-03-07. Review status: criteria provided, single submitter. Criteria: Invitae Variant Classification Sherloc (09022015). Collection method: clinical testing. Allele origin: germline.
Comment: This sequence change replaces lysine, which is basic and polar, with asparagine, which is neutral and polar, at codon 1045 of the MYH6 protein (p.Lys1045Asn). This variant is not present in population databases (gnomAD no frequency). This variant has not been reported in the literature in individuals affected with MYH6-related conditions. ClinVar contains an entry for this variant (Variation ID: 520530). Invitae Evidence Modeling of protein sequence and biophysical properties (such as structural, functional, and spatial information, amino acid conservation, physicochemical variation, residue mobility, and thermodynamic stability) has been performed for this missense variant. However, the output from this modeling did not meet the statistical confidence thresholds required to predict the impact of this variant on MYH6 protein function. In summary, the available evidence is currently insufficient to determine the role of this variant in disease. Therefore, it has been classified as a Variant of Uncertain Significance.

Fulgent Genetics
Classification: Uncertain significance for Hypertrophic cardiomyopathy 1; Hypertrophic cardiomyopathy 14; Dilated cardiomyopathy 1EE; Atrial septal defect 3; Sick sinus syndrome 3, susceptibility to. Last evaluated: 2021-10-28. Review status: criteria provided, single submitter. Criteria: ACMG Guidelines, 2015. Collection method: clinical testing. Allele origin: unknown.

Women's Health and Genetics/Laboratory Corporation of America, LabCorp
Classification: Uncertain significance. Last evaluated: 2021-09-08. Review status: criteria provided, single submitter. Criteria: LabCorp Variant Classification Summary - May 2015. Collection method: clinical testing. Allele origin: germline.
Comment: Variant summary: MYH6 c.3135G>T (p.Lys1045Asn) results in a non-conservative amino acid change located in the myosin tail domain (IPR002928) of the encoded protein sequence. Five of five in-silico tools predict a damaging effect of the variant on protein function. The variant allele was found at a frequency of 2e-05 in 150980 control chromosomes (gnomAD v3.1, genomes dataset). The available data on variant occurrences in the general population are insufficient to allow any conclusion about variant significance. To our knowledge, no occurrence of c.3135G>T in individuals affected with Cardiomyopathy and no experimental evidence demonstrating its impact on protein function have been reported. One clinical diagnostic laboratory has submitted clinical-significance assessments for this variant to ClinVar after 2014 without evidence for independent evaluation. One laboratory classified the variant as uncertain significance. Based on the evidence outlined above, the variant was classified as uncertain significance.

Molecular Diagnostic Laboratory for Inherited Cardiovascular Disease, Montreal Heart Institute
Classification: Uncertain significance. Last evaluated: 2016-08-01. Review status: criteria provided, single submitter. Criteria: ACMG Guidelines, 2015. Collection method: clinical testing. Allele origin: germline. Affected: yes.

NM_002471.4(MYH6):c.3135G>T (p.Lys1045Asn)

Gene: MYH6 (myosin heavy chain 6; minus strand). Cytogenetic location: 14q11.2.
Variant type: single nucleotide variant.
Coding change: c.3135G>T on transcript NM_002471.4 (MANE Select); coding-DNA position 3135, G replaced by T.
Protein change: p.Lys1045Asn; replaces lysine 1045 with asparagine.
Molecular consequence: missense variant.
Genome position (GRCh38, 1-based): chr14:23,393,028, C>A on the plus strand (G>T on the coding strand, the complement: MYH6 is on the minus strand). VCF-style: chr14-23393028-C-A. GRCh37 (hg19) VCF-style: chr14-23862237-C-A.
Other names: short protein forms K1045N.
Identifiers: ClinVar variation 520530 (VCV000520530.10), dbSNP rs758449996, ClinGen allele CA257786430.